The following is an entry in ClinVar:

NM_022124.6(CDH23):c.2789C>T (p.Pro930Leu)

Gene: CDH23 (cadherin related 23; plus strand). Cytogenetic location: 10q22.1.
Variant type: single nucleotide variant.
Coding change: c.2789C>T on transcript NM_022124.6 (MANE Select); coding-DNA position 2789, C replaced by T.
Protein change: p.Pro930Leu; replaces proline 930 with leucine.
Molecular consequence: missense variant.
Genome position (GRCh38, 1-based): chr10:71,704,966, C>T. VCF-style: chr10-71704966-C-T. GRCh37 (hg19) VCF-style: chr10-73464723-C-T.
Other names: c.2789C>T, p.Pro930Leu (NM_001171930.2, NM_001171931.2); short protein forms P930L.
Identifiers: ClinVar variation 862160 (VCV000862160.7), dbSNP rs763602387, ClinGen allele CA5544340.

ClinVar aggregate classification (germline): Uncertain significance. Review status: criteria provided, multiple submitters, no conflicts (2 of 4 stars). 4 submissions from 4 submitters: Uncertain significance (2). 2 of the submissions do not count toward it. Last evaluated 2025-03-31.

Conditions:
Usher syndrome type 1 (USH1). Also called: RETINITIS PIGMENTOSA AND CONGENITAL DEAFNESS. Identifiers: Orphanet 231169, Orphanet 886, MedGen C1568247, MONDO:0010168, OMIM 276900.

Allele frequency attached by ClinVar (database versions not stated): TOPMed 0.00002; gnomAD 0.00003; gnomAD exomes 0.00006 and 0.00007; ExAC 0.00007.
gnomAD v4.1: 85 of 1,612,826 alleles (0.0053%); highest among the groups gnomAD compares: South Asian, 0.059%; 2 homozygotes.

Submissions (4):

Labcorp Genetics (formerly Invitae), Labcorp
Classification: Uncertain significance. Last evaluated: 2025-03-31. Review status: criteria provided, single submitter. Criteria: Invitae Variant Classification Sherloc (09022015). Collection method: clinical testing. Allele origin: germline.
Comment: This sequence change replaces proline, which is neutral and non-polar, with leucine, which is neutral and non-polar, at codon 930 of the CDH23 protein (p.Pro930Leu). This variant is present in population databases (rs763602387, gnomAD 0.05%). This variant has not been reported in the literature in individuals affected with CDH23-related conditions. ClinVar contains an entry for this variant (Variation ID: 862160). Invitae Evidence Modeling of protein sequence and biophysical properties (such as structural, functional, and spatial information, amino acid conservation, physicochemical variation, residue mobility, and thermodynamic stability) has been performed for this missense variant. However, the output from this modeling did not meet the statistical confidence thresholds required to predict the impact of this variant on CDH23 protein function. In summary, the available evidence is currently insufficient to determine the role of this variant in disease. Therefore, it has been classified as a Variant of Uncertain Significance.

Blueprint Genetics
Classification: Uncertain significance. Last evaluated: 2023-12-18. Review status: criteria provided, single submitter. Criteria: ACMG Guidelines, 2015. Collection method: clinical testing. Allele origin: germline.

Natera, Inc.
Classification: Uncertain significance for Usher syndrome type 1. Last evaluated: 2020-03-11. Review status: no assertion criteria provided. Collection method: clinical testing. Allele origin: germline. Not counted in ClinVar's aggregate classification.

Department of Pathology and Laboratory Medicine, Sinai Health System
Classification: Uncertain significance. Review status: no assertion criteria provided. Collection method: clinical testing. Allele origin: unknown. Affected: yes. Study: The Canadian Open Genetics Repository (COGR). Not counted in ClinVar's aggregate classification.
Comment: The CDH23 p.Pro930Leu variant was not identified in the literature nor was it identified in ClinVar. The variant was identified in dbSNP (ID: rs763602387) and in control databases in 19 of 278972 chromosomes at a frequency of 0.00006811 (Genome Aggregation Database March 6, 2019, v2.1.1). The variant was observed in the following populations: South Asian in 14 of 30592 chromosomes (freq: 0.000458), East Asian in 2 of 19470 chromosomes (freq: 0.000103) and European (non-Finnish) in 3 of 127076 chromosomes (freq: 0.000024), but was not observed in the African, Latino, Ashkenazi Jewish, European (Finnish), or Other populations. The p.Pro930 residue is not conserved in mammals and computational analyses (PolyPhen-2, SIFT, AlignGVGD, BLOSUM, MutationTaster) provide inconsistent predictions regarding the impact to the protein; this information is not very predictive of pathogenicity. The variant occurs outside of the splicing consensus sequence and three of four in silico or computational prediction software programs (SpliceSiteFinder, MaxEntScan, NNSPLICE, GeneSplicer) do not predict a greater than 10% difference in splicing; this is not very predictive of pathogenicity. In summary, based on the above information the clinical significance of this variant cannot be determined with certainty at this time. This variant is classified as a variant of uncertain significance.